The following is an entry in ClinVar:

NM_000197.2(HSD17B3):c.191A>G (p.Tyr64Cys)

Genes: SLC35D2-HSD17B3 (SLC35D2-HSD17B3 readthrough; minus strand), HSD17B3 (hydroxysteroid 17-beta dehydrogenase 3; minus strand). Cytogenetic location: 9q22.32.
Variant type: single nucleotide variant.
Coding change: c.191A>G on transcript NM_000197.2 (MANE Select); coding-DNA position 191, A replaced by G.
Protein change: p.Tyr64Cys; replaces tyrosine 64 with cysteine.
Molecular consequence: missense variant. On other transcripts: non-coding transcript variant (1).
Genome position (GRCh38, 1-based): chr9:96,298,426, T>C on the plus strand (A>G on the coding strand, the complement: HSD17B3 is on the minus strand). VCF-style: chr9-96298426-T-C. GRCh37 (hg19) VCF-style: chr9-99060708-T-C.
Other names: short protein forms Y64C.
Identifiers: ClinVar variation 2735301 (VCV002735301.3), dbSNP rs2130799996, ClinGen allele CA374126366.
Genomic context (GRCh38, chr9:96,298,426, plus strand): 5'-TGTGATTGTTCAATACAAGGGAGGAGAAAGTCCCCAGGAAGATAGCTTACCTCGAACGAG[T>C]ACGCTTTCCCAATTCCATCGCCTGCTCCAGTGATCACTGTGAAAAGCAAGAATGCTTTTA-3'
Protein context (NP_000188.1, residues 54-74): TGAGDGIGKA[Tyr64Cys]SFELAKRGLN

ClinVar aggregate classification (germline): Uncertain significance (1 of 4 stars; one submission).

Allele frequency attached by ClinVar (database versions not stated): gnomAD 0.00001.
gnomAD v4.1: 1 of 1,613,608 alleles (0.000062%); highest among the groups gnomAD compares: South Asian, 0.0011%; no homozygotes.

Submission:

Labcorp Genetics (formerly Invitae), Labcorp
Classification: Uncertain significance. Last evaluated: 2023-07-18. Review status: criteria provided, single submitter. Criteria: Invitae Variant Classification Sherloc (09022015). Collection method: clinical testing. Allele origin: germline.
Comment: This sequence change replaces tyrosine, which is neutral and polar, with cysteine, which is neutral and slightly polar, at codon 64 of the HSD17B3 protein (p.Tyr64Cys). In summary, the available evidence is currently insufficient to determine the role of this variant in disease. Therefore, it has been classified as a Variant of Uncertain Significance. Advanced modeling of protein sequence and biophysical properties (such as structural, functional, and spatial information, amino acid conservation, physicochemical variation, residue mobility, and thermodynamic stability) performed at Invitae indicates that this missense variant is expected to disrupt HSD17B3 protein function. This missense change has been observed in individual(s) with hypospadias (PMID: 27899157). This variant is not present in population databases (gnomAD no frequency).

Literature cited by the submitters: PubMed 27899157.